The following is an entry in ClinVar:

ClinVar aggregate classification (germline): Uncertain significance. Review status: criteria provided, multiple submitters, no conflicts (2 of 4 stars). 4 submissions from 4 submitters: Uncertain significance (4). Last evaluated 2024-05-08.

Conditions:
Liang-Wang syndrome. Identifiers: Orphanet 664438, MedGen C5231479, MONDO:0032886, OMIM 618729.
Generalized epilepsy-paroxysmal dyskinesia syndrome (PNKD3). Also called: Generalized epilepsy and paroxysmal dyskinesia; Paroxysmal nonkinesigenic dyskinesia, 3, with or without generalized epilepsy. Identifiers: Orphanet 79137, MedGen C5574945, MONDO:0012276, OMIM 609446.
Inborn genetic diseases. Identifiers: MedGen C0950123, MeSH D030342.

Allele frequency attached by ClinVar (database versions not stated): gnomAD exomes below 0.00001.
gnomAD v4.1: 3 of 1,613,854 alleles (0.00019%); highest among the groups gnomAD compares: Non-Finnish European, 0.00017%; no homozygotes.

Submissions (4):

Ambry Genetics
Classification: Uncertain significance for Inborn genetic diseases. Last evaluated: 2024-05-08. Review status: criteria provided, single submitter. Criteria: Ambry Variant Classification Scheme 2023. Collection method: clinical testing. Allele origin: germline.

3billion
Classification: Uncertain significance for Liang-Wang syndrome. Last evaluated: 2023-02-23. Review status: criteria provided, single submitter. Criteria: ACMG Guidelines, 2015. Collection method: clinical testing. Allele origin: unknown. Affected: yes.
Comment: The variant is not observed in the gnomAD v2.1.1 dataset. Missense changes are a common disease-causing mechanism. In silico tool predictions suggest damaging effect of the variant on gene or gene product (REVEL: 0.24; 3Cnet: 0.80). Therefore, this variant is classified as VUS according to the recommendation of ACMG/AMP guideline.

Labcorp Genetics (formerly Invitae), Labcorp
Classification: Uncertain significance for Generalized epilepsy-paroxysmal dyskinesia syndrome. Last evaluated: 2023-01-20. Review status: criteria provided, single submitter. Criteria: Invitae Variant Classification Sherloc (09022015). Collection method: clinical testing. Allele origin: germline.
Comment: ClinVar contains an entry for this variant (Variation ID: 546391). In summary, the available evidence is currently insufficient to determine the role of this variant in disease. Therefore, it has been classified as a Variant of Uncertain Significance. Algorithms developed to predict the effect of sequence changes on RNA splicing suggest that this variant may disrupt the consensus splice site. Advanced modeling of protein sequence and biophysical properties (such as structural, functional, and spatial information, amino acid conservation, physicochemical variation, residue mobility, and thermodynamic stability) performed at Invitae indicates that this missense variant is not expected to disrupt KCNMA1 protein function. This variant has not been reported in the literature in individuals affected with KCNMA1-related conditions. This variant is not present in population databases (gnomAD no frequency). This sequence change replaces lysine, which is basic and polar, with arginine, which is basic and polar, at codon 627 of the KCNMA1 protein (p.Lys627Arg).

GeneDx
Classification: Uncertain significance. Last evaluated: 2018-05-15. Review status: criteria provided, single submitter. Criteria: GeneDx Variant Classification (06012015). Collection method: clinical testing. Allele origin: germline. Affected: yes.
Comment: A variant of uncertain significance has been identified in the KCNMA1 gene. The K627R variant has not been published as a pathogenic variant, nor has it been reported as a benign variant to our knowledge. The K627R variant is not observed in large population cohorts (Lek et al., 2016). The K627R variant is a conservative amino acid substitution, which is not likely to impact secondary protein structure as these residues share similar properties. In-silico analyses, including protein predictors and evolutionary conservation, support that this variant does not alter protein structure/function. Therefore, based on the currently available information, it is unclear whether this variant is a pathogenic variant or a rare benign variant.

NM_001161352.2(KCNMA1):c.1880A>G (p.Lys627Arg)

Gene: KCNMA1 (potassium calcium-activated channel subfamily M alpha 1; minus strand). Cytogenetic location: 10q22.3.
Variant type: single nucleotide variant.
Coding change: c.1880A>G on transcript NM_001161352.2 (MANE Select); coding-DNA position 1880, A replaced by G.
Protein change: p.Lys627Arg; replaces lysine 627 with arginine.
Molecular consequence: missense variant.
Genome position (GRCh38, 1-based): chr10:77,027,871, T>C on the plus strand (A>G on the coding strand, the complement: KCNMA1 is on the minus strand). VCF-style: chr10-77027871-T-C. GRCh37 (hg19) VCF-style: chr10-78787629-T-C.
Other names: c.1880A>G, p.Lys627Arg (NM_001014797.3, NM_001161353.2, NM_001271519.2 and 7 more transcripts); c.1718A>G, p.Lys573Arg (NM_001271518.2); c.1340A>G, p.Lys447Arg (NM_001322838.2); short protein forms K627R, K573R, K447R.
Identifiers: ClinVar variation 546391 (VCV000546391.8), dbSNP rs1555142864, ClinGen allele CA377409743.